The following is an entry in ClinVar:

ClinVar aggregate classification (germline): Likely pathogenic (1 of 4 stars; one submission).

Conditions:
POU3F3-related disorder. Also called: POU3F3-related condition.

Submission:

Greenwood Genetic Center Diagnostic Laboratories, Greenwood Genetic Center
Classification: Likely pathogenic for POU3F3-related disorder. Last evaluated: 2024-09-24. Review status: criteria provided, single submitter. Criteria: ACMG Guidelines, 2015. Collection method: clinical testing. Allele origin: germline. Affected: yes.
Comment: PVS1, PM2

NM_006236.3(POU3F3):c.876del (p.His293fs)

Gene: POU3F3 (POU class 3 homeobox 3; plus strand). Cytogenetic location: 2q12.1.
Variant type: Deletion.
Coding change: c.876del on transcript NM_006236.3 (MANE Select); coding-DNA position 876, one base deleted (G; older notation c.876delG).
Protein change: p.His293fs; shifts the reading frame from histidine 293.
Molecular consequence: frameshift variant.
Genome position (GRCh38, 1-based): chr2:104,856,386, G deleted. VCF-style (leftmost placement, unchanged base first): chr2-104856385-CG-C. GRCh37 (hg19) VCF-style: chr2-105472843-CG-C.
Other names: short protein forms H293fs.
Identifiers: ClinVar variation 3765669 (VCV003765669.1).